The following is an entry in ClinVar:

ClinVar aggregate classification (germline): Likely pathogenic. Review status: criteria provided, multiple submitters, no conflicts (2 of 4 stars). 3 submissions from 3 submitters: Likely pathogenic (3). Last evaluated 2025-09-13.

Conditions:
Rotor syndrome (HBLRR). Also called: HYPERBILIRUBINEMIA, ROTOR TYPE, DIGENIC; HYPERBILIRUBINEMIA, ROTOR TYPE. Identifiers: Orphanet 3111, MedGen C0220991, MONDO:0009379, OMIM 237450.
SLCO1B3-related disorder. Also called: SLCO1B3-related condition.

Allele frequency attached by ClinVar (database versions not stated): gnomAD 0.00005 and 0.00006; ESP Exome Variant Server 0.00008; TOPMed 0.00008; gnomAD exomes 0.00009 and 0.00011; ExAC 0.00012.
gnomAD v4.1: 164 of 1,581,506 alleles (0.01%); highest among the groups gnomAD compares: Non-Finnish European, 0.013%; no homozygotes.

Submissions (3):

PreventionGenetics, part of Exact Sciences
Classification: Likely pathogenic for SLCO1B3-related condition. Last evaluated: 2025-09-13. Review status: criteria provided, single submitter. Criteria: ACMG Guidelines, 2015. Collection method: clinical testing. Allele origin: germline.
Comment: The SLCO1B3 c.1135+1G>A variant is predicted to disrupt the GT donor site and interfere with normal splicing. This variant was reported as likely pathogenic in association with autosomal recessive hyperbilirubinemia (Supplemental Data, Hou et al. 2020. PubMed ID: 31980526). This variant is reported in 0.018% of alleles in individuals of European (Non-Finnish) descent in gnomAD. Variants that disrupt the consensus splice donor site in SLCO1B3 are expected to be pathogenic. This variant is interpreted as likely pathogenic.

ARUP Laboratories, Molecular Genetics and Genomics, ARUP Laboratories
Classification: Likely pathogenic for Rotor syndrome. Last evaluated: 2025-02-20. Review status: criteria provided, single submitter. Criteria: ARUP Molecular Germline Variant Investigation Process 2024. Collection method: clinical testing. Allele origin: germline.
Comment: The SLCO1B3 c.1135+1G>A variant (rs201833947; ClinVar Variation ID: 1032827) is reported in an individual with hyperbilirubinemia (Hou 2020). This variant is found predominantly in the non-Finnish European population with an allele frequency of 0.018% (19/104,872 alleles) in the Genome Aggregation Database (v2.1.1), indicating it is not a common polymorphism. This variant disrupts the canonical splice donor site of intron 10, which is likely to negatively impact gene function. Based on available information, this variant is considered to be likely pathogenic. References: Hou YC et al. Precision medicine integrating whole-genome sequencing, comprehensive metabolomics, and advanced imaging. Proc Natl Acad Sci U S A. 2020 Feb 11. PMID: 31980526

Department of Pathology and Laboratory Medicine, Sinai Health System
Classification: Likely pathogenic for Rotor syndrome. Last evaluated: 2023-03-30. Review status: criteria provided, single submitter. Criteria: ACMG Guidelines, 2015. Collection method: research. Allele origin: germline.

NM_019844.4(SLCO1B3):c.1135+1G>A

Genes: SLCO1B3 (solute carrier organic anion transporter family member 1B3; plus strand), SLCO1B3-SLCO1B7 (SLCO1B3-SLCO1B7 readthrough; plus strand). Cytogenetic location: 12p12.2.
Variant type: single nucleotide variant.
Coding change: c.1135+1G>A on transcript NM_019844.4 (MANE Select); the canonical splice donor site of the intron after coding-DNA position 1135, G replaced by A.
Molecular consequence: splice donor variant.
Genome position (GRCh38, 1-based): chr12:20,877,937, G>A. VCF-style: chr12-20877937-G-A. GRCh37 (hg19) VCF-style: chr12-21030871-G-A.
Other names: c.1051+1G>A (NM_001349920.2); c.1135+1G>A (NM_001371097.1).
Identifiers: ClinVar variation 1330934 (VCV001330934.10), dbSNP rs201833947, ClinGen allele CA6475451.